The following is an entry in ClinVar:

NM_000157.4(GBA1):c.116-2A>C

Genes: GBA1 (glucosylceramidase beta 1; minus strand), LOC106627981 (GBA recombination region; plus strand). Cytogenetic location: 1q22.
Variant type: single nucleotide variant.
Coding change: c.116-2A>C on transcript NM_000157.4 (MANE Select); the canonical splice acceptor site of the intron before coding-DNA position 116, A replaced by C.
Molecular consequence: splice acceptor variant.
Genome position (GRCh38, 1-based): chr1:155,240,079, T>G on the plus strand (A>C on the coding strand, the complement: GBA1 is on the minus strand). VCF-style: chr1-155240079-T-G. GRCh37 (hg19) VCF-style: chr1-155209870-T-G.
Other names: c.-146-2A>C (NM_001171811.2); c.116-2A>C (NM_001005742.3, NM_001005741.3, NM_001171812.2).
Identifiers: ClinVar variation 4817684 (VCV004817684.1).

ClinVar aggregate classification (germline): Likely pathogenic (1 of 4 stars; one submission).

Conditions:
Gaucher disease. Also called: Acute cerebral Gaucher disease; Cerebroside lipidosis syndrome; Gaucher splenomegaly; Sphingolipidosis 1; Glucocerebrosidosis; Glucosylceramidase deficiency. Identifiers: Orphanet 355, MedGen C0017205, MONDO:0018150.

Submission:

Natera, Inc.
Classification: Likely pathogenic for Gaucher disease. Last evaluated: 2025-05-21. Review status: criteria provided, single submitter. Criteria: Natera Variant Classification Schema (03/2026). Collection method: clinical testing. Allele origin: germline.
Comment: The c.116-2A>C variant in GBA1 is a canonical splice acceptor site variant predicted to affect pre-mRNA splicing, which may result in an abnormal transcript and altered protein product. This variant is expected to result in nonsense mediated decay, truncation, or a dysfunctional protein product. This variant is rare in the general population with a frequency below the threshold expected for the associated phenotype(s). Given the available evidence, this variant is classified as Likely Pathogenic.